The following is an entry in ClinVar:

NM_001370466.1(NOD2):c.1755G>A (p.Ala585=)

Gene: NOD2 (nucleotide binding oligomerization domain containing 2; plus strand). Cytogenetic location: 16q12.1.
Variant type: single nucleotide variant.
Coding change: c.1755G>A on transcript NM_001370466.1 (MANE Select); coding-DNA position 1755, G replaced by A.
Protein change: p.Ala585=; no amino-acid change (alanine 585 retained).
Molecular consequence: synonymous variant. On other transcripts: non-coding transcript variant (1).
Genome position (GRCh38, 1-based): chr16:50,711,747, G>A. VCF-style: chr16-50711747-G-A. GRCh37 (hg19) VCF-style: chr16-50745658-G-A.
Other names: c.1755G>A, p.Ala585= (NM_001293557.2); c.1836G>A, p.Ala612= (NM_022162.3).
Identifiers: ClinVar variation 531613 (VCV000531613.34), dbSNP rs756626309, ClinGen allele CA8051635.

ClinVar aggregate classification (germline): Likely benign. Review status: criteria provided, multiple submitters, no conflicts (2 of 4 stars). 2 submissions from 2 submitters: Likely benign (2). Last evaluated 2025-06-10.

Conditions:
Regional enteritis. Also called: Enteritis, Granulomatous. Identifiers: MedGen C0678202, MeSH D003424.
Blau syndrome (BLAUS). Also called: GRANULOMATOSIS, FAMILIAL JUVENILE SYSTEMIC; GRANULOMATOSIS, FAMILIAL, BLAU TYPE; GRANULOMATOUS INFLAMMATORY ARTHRITIS, DERMATITIS, AND UVEITIS, FAMILIAL; JABS SYNDROME; ARTHROCUTANEOUVEAL GRANULOMATOSIS. Identifiers: Orphanet 90340, MedGen C5201146, MONDO:0008523, OMIM 186580.

Allele frequency attached by ClinVar (database versions not stated): gnomAD 0.00001; gnomAD exomes 0.00001; TOPMed 0.00001; ExAC 0.00002.
gnomAD v4.1: 19 of 1,614,058 alleles (0.0012%); highest among the groups gnomAD compares: East Asian, 0.0045%; no homozygotes.

Submissions (2):

Labcorp Genetics (formerly Invitae), Labcorp
Classification: Likely benign for Regional enteritis; Blau syndrome. Last evaluated: 2025-06-10. Review status: criteria provided, single submitter. Criteria: Invitae Variant Classification Sherloc (09022015). Collection method: clinical testing. Allele origin: germline.

CeGaT Center for Human Genetics Tuebingen
Classification: Likely benign. Last evaluated: 2022-03-01. Review status: criteria provided, single submitter. Criteria: CeGaT Center For Human Genetics Tuebingen Variant Classification Criteria Version 2. Collection method: clinical testing. Allele origin: germline. Affected: yes. Observed: 1 variant allele.
Comment: NOD2: BP4, BP7